The following is an entry in ClinVar:

NM_006445.4(PRPF8):c.5801C>G (p.Ser1934Cys)

Gene: PRPF8 (pre-mRNA processing factor 8; minus strand). Cytogenetic location: 17p13.3.
Variant type: single nucleotide variant.
Coding change: c.5801C>G on transcript NM_006445.4 (MANE Select); coding-DNA position 5801, C replaced by G.
Protein change: p.Ser1934Cys; replaces serine 1934 with cysteine.
Molecular consequence: missense variant.
Genome position (GRCh38, 1-based): chr17:1,655,536, G>C on the plus strand (C>G on the coding strand, the complement: PRPF8 is on the minus strand). VCF-style: chr17-1655536-G-C. GRCh37 (hg19) VCF-style: chr17-1558830-G-C.
Other names: short protein forms S1934C.
Identifiers: ClinVar variation 1347554 (VCV001347554.6), dbSNP rs1911322438, ClinGen allele CA397569813.

ClinVar aggregate classification (germline): Uncertain significance (1 of 4 stars; one submission).

Allele frequency attached by ClinVar (database versions not stated): TOPMed below 0.00001.

Submission:

Labcorp Genetics (formerly Invitae), Labcorp
Classification: Uncertain significance. Last evaluated: 2021-10-27. Review status: criteria provided, single submitter. Criteria: Invitae Variant Classification Sherloc (09022015). Collection method: clinical testing. Allele origin: germline.
Comment: This sequence change replaces serine, a(n) neutral and polar amino acid, with cysteine, a(n) neutral and slightly polar amino acid, at codon 1934 of the PRPF8 protein (p.Ser1934Cys). This variant is not present in population databases (gnomAD no frequency). This variant has not been reported in the literature in individuals affected with PRPF8-related conditions. Algorithms developed to predict the effect of missense changes on protein structure and function are either unavailable or do not agree on the potential impact of this missense change (SIFT: "Deleterious"; PolyPhen-2: "Probably Damaging"; Align-GVGD: "Class C0"). In summary, the available evidence is currently insufficient to determine the role of this variant in disease. Therefore, it has been classified as a Variant of Uncertain Significance.